The following is an entry in ClinVar:

ClinVar aggregate classification (germline): Benign/Likely benign. Review status: criteria provided, multiple submitters, no conflicts (2 of 4 stars). 4 submissions from 4 submitters: Benign (1); Likely benign (3). Last evaluated 2026-05-12.

Conditions:
Achondrogenesis, type IA (ACG1A). Identifiers: Orphanet 932, Orphanet 93299, MedGen C0265273, MONDO:0008701, OMIM 200600.

Allele frequency attached by ClinVar (database versions not stated): gnomAD exomes 0.00033 and 0.00016; ExAC 0.00043; ESP Exome Variant Server 0.00138; 1000 Genomes Project 0.00040; gnomAD 0.00170 and 0.00161; 1000 Genomes Project 30x 0.00031; TOPMed 0.00185.
gnomAD v4.1: 494 of 1,612,848 alleles (0.031%); highest among the groups gnomAD compares: African/African-American, 0.53%; 1 homozygote.

Submissions (4):

Women's Health and Genetics/Laboratory Corporation of America, LabCorp
Classification: Likely benign. Last evaluated: 2026-05-12. Review status: criteria provided, single submitter. Criteria: LabCorp Variant Classification Summary - May 2015. Collection method: clinical testing. Allele origin: germline.

Labcorp Genetics (formerly Invitae), Labcorp
Classification: Benign for Achondrogenesis, type IA. Last evaluated: 2026-01-26. Review status: criteria provided, single submitter. Criteria: Invitae Variant Classification Sherloc (09022015). Collection method: clinical testing. Allele origin: germline.

GeneDx
Classification: Likely benign. Last evaluated: 2018-03-05. Review status: criteria provided, single submitter. Criteria: GeneDx Variant Classification (06012015). Collection method: clinical testing. Allele origin: germline. Affected: yes.
Comment: This variant is considered likely benign or benign based on one or more of the following criteria: it is a conservative change, it occurs at a poorly conserved position in the protein, it is predicted to be benign by multiple in silico algorithms, and/or has population frequency not consistent with disease.

Illumina Laboratory Services, Illumina
Classification: Likely benign for Achondrogenesis, type IA. Last evaluated: 2018-01-12. Review status: criteria provided, single submitter. Criteria: ICSL Variant Classification Criteria 13 December 2019. Collection method: clinical testing. Allele origin: germline.
Comment: This variant was observed in the ICSL laboratory as part of a predisposition screen in an ostensibly healthy population. It had not been previously curated by ICSL or reported in the Human Gene Mutation Database (HGMD: prior to June 1st, 2018), and was therefore a candidate for classification through an automated scoring system. Utilizing variant allele frequency, disease prevalence and penetrance estimates, and inheritance mode, an automated score was calculated to assess if this variant is too frequent to cause the disease. Based on the score and internal cut-off values, a variant classified as likely benign is not then subjected to further curation. The score for this variant resulted in a classification of likely benign for this disease.

NM_004239.4(TRIP11):c.5056+11C>T

Gene: TRIP11 (thyroid hormone receptor interactor 11; minus strand). Cytogenetic location: 14q32.12.
Variant type: single nucleotide variant.
Coding change: c.5056+11C>T on transcript NM_004239.4 (MANE Select); 11 bases into the intron after coding-DNA position 5056, C replaced by T.
Molecular consequence: intron variant.
Genome position (GRCh38, 1-based): chr14:91,995,341, G>A on the plus strand (C>T on the coding strand, the complement: TRIP11 is on the minus strand). VCF-style: chr14-91995341-G-A. GRCh37 (hg19) VCF-style: chr14-92461685-G-A.
Other names: c.5053+11C>T (NM_001321851.1).
Identifiers: ClinVar variation 383396 (VCV000383396.13), dbSNP rs199549473, ClinGen allele CA7313307.
Genomic context (GRCh38, chr14:91,995,341, plus strand): 5'-AGCTCTCAAATTAGGCAAAATTACCAATAACTACAATTTTTCTTCATTGAAAGAGTGACC[G>A]TAGAGCTTACCTTGTTGGAAATGCTCTAGTACCATCTGCAGGTTGGCCAGTGACAGAGCA-3'